The following is an entry in ClinVar:

ClinVar aggregate classification (germline): Uncertain significance (1 of 4 stars; one submission).

Conditions:
Cranium bifidum occultum. Also called: CATLIN MARKS; Enlarged Parietal Foramina; CRANIUM BIFIDUM, HEREDITARY. Identifiers: MedGen C1868598, HP:0004423.

Submission:

Labcorp Genetics (formerly Invitae), Labcorp
Classification: Uncertain significance for Cranium bifidum occultum. Last evaluated: 2025-11-25. Review status: criteria provided, single submitter. Criteria: Invitae Variant Classification Sherloc (09022015). Collection method: clinical testing. Allele origin: germline.
Comment: This variant, c.548_550dup, results in the insertion of 1 amino acid(s) of the MSX2 protein (p.Glu183_Thr184insLys), but otherwise preserves the integrity of the reading frame. This variant is not present in population databases (gnomAD no frequency). This variant has not been reported in the literature in individuals affected with MSX2-related conditions. Experimental studies and prediction algorithms are not available or were not evaluated, and the functional significance of this variant is currently unknown. In summary, the available evidence is currently insufficient to determine the role of this variant in disease. Therefore, it has been classified as a Variant of Uncertain Significance.

NM_002449.5(MSX2):c.548_550dup (p.Glu183_Thr184insLys)

Gene: MSX2 (msh homeobox 2; plus strand). Cytogenetic location: 5q35.2.
Variant type: Duplication.
Coding change: c.548_550dup on transcript NM_002449.5 (MANE Select); coding-DNA positions 548 to 550, 3 bases duplicated (AGA; older notation c.548_550dupAGA).
Protein change: p.Glu183_Thr184insLys.
Molecular consequence: inframe insertion. On other transcripts: 3 prime UTR variant (1).
Genome position (GRCh38, 1-based): chr5:174,729,327-174,729,329, AGA duplicated. VCF-style (leftmost placement, unchanged base first): chr5-174729326-G-GAGA. GRCh37 (hg19) VCF-style: chr5-174156329-G-GAGA.
Other names: c.*172_*174dup (NM_001363626.2).
Identifiers: ClinVar variation 4731546 (VCV004731546.1).